The following is an entry in ClinVar:

ClinVar aggregate classification (germline): Conflicting classifications of pathogenicity. Review status: criteria provided, conflicting classifications (1 of 4 stars). 3 submissions from 3 submitters: Uncertain significance (1); Likely benign (2). Last evaluated 2026-05-06.

Allele frequency attached by ClinVar (database versions not stated): ExAC 0.00002; gnomAD exomes 0.00001 and 0.00002; gnomAD 0.00006 and 0.00005; TOPMed 0.00007; ESP Exome Variant Server 0.00015.
gnomAD v4.1: 18 of 1,612,960 alleles (0.0011%); highest among the groups gnomAD compares: African/African-American, 0.021%; no homozygotes.

Submissions (3):

GeneDx
Classification: Uncertain significance. Last evaluated: 2026-05-06. Review status: criteria provided, single submitter. Criteria: GeneDx Variant Classification Process June 2021. Collection method: clinical testing. Allele origin: germline.
Comment: In silico analysis suggests that this variant does not alter splicing; Has not been previously published as pathogenic or benign to our knowledge

Labcorp Genetics (formerly Invitae), Labcorp
Classification: Likely benign. Last evaluated: 2025-12-21. Review status: criteria provided, single submitter. Criteria: Invitae Variant Classification Sherloc (09022015). Collection method: clinical testing. Allele origin: germline.

Women's Health and Genetics/Laboratory Corporation of America, LabCorp
Classification: Likely benign. Last evaluated: 2025-07-17. Review status: criteria provided, single submitter. Criteria: LabCorp Variant Classification Summary - May 2015. Collection method: clinical testing. Allele origin: germline.

NM_001128840.3(CACNA1D):c.789C>G (p.Ser263=)

Gene: CACNA1D (calcium voltage-gated channel subunit alpha1 D; plus strand). Cytogenetic location: 3p21.1.
Variant type: single nucleotide variant.
Coding change: c.789C>G on transcript NM_001128840.3 (MANE Select); coding-DNA position 789, C replaced by G.
Protein change: p.Ser263=; no amino-acid change (serine 263 retained).
Molecular consequence: synonymous variant.
Genome position (GRCh38, 1-based): chr3:53,665,682, C>G. VCF-style: chr3-53665682-C-G. GRCh37 (hg19) VCF-style: chr3-53699709-C-G.
Other names: c.789C>G, p.Ser263= (NM_000720.4, NM_001128839.3); c.789C>G (NM_000720.2).
Identifiers: ClinVar variation 1642062 (VCV001642062.11), dbSNP rs369697705, ClinGen allele CA2453764.
Genomic context (GRCh38, chr3:53,665,682, plus strand): 5'-TCCTGGCTCACAAACTTATTTTTTTTTGTCTTTCCTAGGTTTACAAGTTGTCCTGAACTC[C>G]ATTATAAAAGCCATGGTTCCCCTCCTTCACATAGCCCTTTTGGTATTATTTGTAATCATA-3'
Protein context (NP_001122312.1, residues 253-273): GVPSLQVVLN[Ser263=]IIKAMVPLLH